The following is an entry in ClinVar:

NM_000784.4(CYP27A1):c.379C>G (p.Arg127Gly)

Gene: CYP27A1 (cytochrome P450 family 27 subfamily A member 1; plus strand). Cytogenetic location: 2q35.
Variant type: single nucleotide variant.
Coding change: c.379C>G on transcript NM_000784.4 (MANE Select); coding-DNA position 379, C replaced by G.
Protein change: p.Arg127Gly; replaces arginine 127 with glycine.
Molecular consequence: missense variant.
Genome position (GRCh38, 1-based): chr2:218,809,700, C>G. VCF-style: chr2-218809700-C-G. GRCh37 (hg19) VCF-style: chr2-219674423-C-G.
Other names: short protein forms R127G.
Identifiers: ClinVar variation 1802246 (VCV001802246.6), dbSNP rs201114717, ClinGen allele CA2112579.

ClinVar aggregate classification (germline): Likely pathogenic. Review status: criteria provided, multiple submitters, no conflicts (2 of 4 stars). 4 submissions from 4 submitters: Likely pathogenic (4). Last evaluated 2025-07-25.

Conditions:
Cholestanol storage disease (CTX). Also called: CTX: Cerebrotendinous xanthomatosis; CEREBRAL CHOLESTERINOSIS; Cerebrotendinous Xanthomatosis. Identifiers: Orphanet 909, MedGen C0238052, MONDO:0008948, OMIM 213700.

gnomAD v4.1: 1 of 1,614,126 alleles (0.000062%); highest among the groups gnomAD compares: South Asian, 0.0011%; no homozygotes.

Submissions (4):

Myriad Genetics, Inc.
Classification: Likely pathogenic for Cholestanol storage disease. Last evaluated: 2025-07-25. Review status: criteria provided, single submitter. Criteria: Myriad Autosomal Dominant, Autosomal Recessive and X-Linked Classification Criteria (2023). Collection method: clinical testing. Allele origin: unknown.
Comment: NM_000784.3(CYP27A1):c.379C>G(R127G) is a missense variant classified as likely pathogenic in the context of cerebrotendinous xanthomatosis. R127G has been observed in a case with relevant disease (PMID: 38476584). Relevant functional assessments of this variant are not available in the literature. Internal structural analysis of the variant is supportive of pathogenicity. R127G has been observed in referenced population frequency databases. In summary, NM_000784.3(CYP27A1):c.379C>G(R127G) is a missense variant that has internal structural support for pathogenicity and has been observed more frequently in cases with the relevant disease than in healthy populations. Please note: this variant was assessed in the context of healthy population screening.

Fulgent Genetics
Classification: Likely pathogenic for Cholestanol storage disease. Last evaluated: 2024-05-07. Review status: criteria provided, single submitter. Criteria: ACMG Guidelines, 2015. Collection method: clinical testing. Allele origin: germline.

Women's Health and Genetics/Laboratory Corporation of America, LabCorp
Classification: Likely pathogenic for Cholestanol storage disease. Last evaluated: 2024-04-26. Review status: criteria provided, single submitter. Criteria: LabCorp Variant Classification Summary - May 2015. Collection method: clinical testing. Allele origin: germline.
Comment: Variant summary: CYP27A1 c.379C>G (p.Arg127Gly) results in a non-conservative amino acid change in the encoded protein sequence. Five of five in-silico tools predict a damaging effect of the variant on protein function. The variant allele was found at a frequency of 4e-06 in 251374 control chromosomes. c.379C>G has been reported in the literature in at least one homozygous individuals affected with Cerebrotendinous Xanthomatosis (e.g. Shaji_2019). These data indicate that the variant may be associated with disease. To our knowledge, no experimental evidence demonstrating an impact on protein function has been reported. A different variant located at the same codon (c.379C>T, p.Arg127Trp) has been classified as pathogenic, supporting a critical relevance of this residue to CYP27A1 protein function. The following publication has been ascertained in the context of this evaluation (PMID: 31736580). ClinVar contains an entry for this variant (Variation ID: 1802246). Based on the evidence outlined above, the variant was classified as likely pathogenic.

Diagnostics Services (NGS), CSIR - Centre For Cellular And Molecular Biology
Classification: Likely pathogenic for Cholestanol storage disease. Last evaluated: 2022-09-20. Review status: criteria provided, single submitter. Criteria: ACMG Guidelines, 2015. Collection method: clinical testing. Allele origin: unknown. Affected: no. Observed: 1 variant allele, 1 heterozygote.
Comment: This variant was identified as a part of carrier screening. The c.379C>G variant is not present in publicly available population databases such as 1000 Genomes, EVS, Indian Exome Database or in our in-house exome database. The variant is present in ExAC and gnomAD at a low frequency. This variant has neither been published in literature nor reported to the ClinVar, Human Genome Mutation Database (HGMD) or OMIM databases, in any affected individuals. An alternative variant (c.379C>T, Arg127Trp) in this position has been previously observed in affected individuals, published several times and reported to clinvar (Accession ID: VCV000065865.22) and HGMD (ID: CM994442) as ‘pathogenic’. In-silico pathogenicity prediction programs like SIFT, Polyphen2, MutationTaster2, CADD etc. predicted this variant to be likely deleterious.

Literature cited by the submitters: PubMed 38476584 (cited by Myriad Genetics, Inc.); PubMed 31736580 (cited by Women's Health and Genetics/Laboratory Corporation of America, LabCorp).